The following is an entry in ClinVar:

NM_001113378.2(FANCI):c.3830A>G (p.Gln1277Arg)

Gene: FANCI (FA complementation group I; plus strand). Cytogenetic location: 15q26.1.
Variant type: single nucleotide variant.
Coding change: c.3830A>G on transcript NM_001113378.2 (MANE Select); coding-DNA position 3830, A replaced by G.
Protein change: p.Gln1277Arg; replaces glutamine 1277 with arginine.
Molecular consequence: missense variant.
Genome position (GRCh38, 1-based): chr15:89,315,295, A>G. VCF-style: chr15-89315295-A-G. GRCh37 (hg19) VCF-style: chr15-89858526-A-G.
Other names: c.3551A>G, p.Gln1184Arg (NM_001376910.1); c.3830A>G, p.Gln1277Arg (NM_001376911.1); c.3650A>G, p.Gln1217Arg (NM_018193.3); short protein forms Q1184R, Q1277R, Q1217R.
Identifiers: ClinVar variation 1433757 (VCV001433757.8), dbSNP rs2152030610, ClinGen allele CA393744551.

ClinVar aggregate classification (germline): Uncertain significance (1 of 4 stars; one submission).

Conditions:
Fanconi anemia (FA). Also called: Fanconi's anemia. Identifiers: Orphanet 84, MedGen C0015625, MeSH D005199, MONDO:0019391.

Submission:

Labcorp Genetics (formerly Invitae), Labcorp
Classification: Uncertain significance for Fanconi anemia. Last evaluated: 2021-02-01. Review status: criteria provided, single submitter. Criteria: Invitae Variant Classification Sherloc (09022015). Collection method: clinical testing. Allele origin: germline.
Comment: In summary, the available evidence is currently insufficient to determine the role of this variant in disease. Therefore, it has been classified as a Variant of Uncertain Significance. Algorithms developed to predict the effect of missense changes on protein structure and function are either unavailable or do not agree on the potential impact of this missense change (SIFT: "Deleterious"; PolyPhen-2: "Benign"; Align-GVGD: "Class C0"). This variant has not been reported in the literature in individuals with FANCI-related conditions. This variant is not present in population databases (ExAC no frequency). This sequence change replaces glutamine with arginine at codon 1277 of the FANCI protein (p.Gln1277Arg). The glutamine residue is highly conserved and there is a small physicochemical difference between glutamine and arginine.